The following is an entry in ClinVar:

NM_001165963.4(SCN1A):c.5674C>T (p.Arg1892Ter)

Genes: SCN1A (sodium voltage-gated channel alpha subunit 1; minus strand), LOC102724058 (uncharacterized LOC102724058; plus strand). Cytogenetic location: 2q24.3.
Variant type: single nucleotide variant.
Coding change: c.5674C>T on transcript NM_001165963.4 (MANE Select); coding-DNA position 5674, C replaced by T.
Protein change: p.Arg1892Ter; replaces arginine 1892 with a stop codon.
Molecular consequence: nonsense. On other transcripts: non-coding transcript variant (1).
Genome position (GRCh38, 1-based): chr2:165,991,601, G>A on the plus strand (C>T on the coding strand, the complement: SCN1A is on the minus strand). VCF-style: chr2-165991601-G-A. GRCh37 (hg19) VCF-style: chr2-166848111-G-A.
Other names: p.R1892*:CGA>TGA; NP_001159435.1:p.(Arg1892Ter); c.5590C>T, p.Arg1864Ter (NM_001165964.3, NM_001353957.2, NM_001353958.2); c.5674C>T, p.Arg1892Ter (NM_001202435.3, NM_001353948.2); c.5641C>T, p.Arg1881Ter (NM_001353949.2, NM_001353950.2, NM_001353951.2 and 2 more transcripts); c.5638C>T, p.Arg1880Ter (NM_001353954.2, NM_001353955.2); c.5587C>T, p.Arg1863Ter (NM_001353960.2); c.3232C>T, p.Arg1078Ter (NM_001353961.2); short protein forms R1881*, R1892*, R1078*, R1880*, R1863*, R1864*.
Identifiers: ClinVar variation 189896 (VCV000189896.58), dbSNP rs794726739, ClinGen allele CA303237.

ClinVar aggregate classification (germline): Pathogenic/Likely pathogenic. Review status: criteria provided, multiple submitters, no conflicts (2 of 4 stars). 12 submissions from 12 submitters: Pathogenic (10); Likely pathogenic (1). 1 of the submissions does not count toward it. Last evaluated 2025-09-24.

Conditions:
Migraine, familial hemiplegic, 3. Identifiers: Orphanet 569, MedGen C1864987, MONDO:0012320, OMIM 609634.
Generalized epilepsy with febrile seizures plus, type 2 (GEFSP2). Also called: GEFS+, TYPE 2. Identifiers: Orphanet 36387, MedGen C1858673, MONDO:0011461, OMIM 604403.
Severe myoclonic epilepsy in infancy (DRVT). Also called: SEVERE MYOCLONIC EPILEPSY OF INFANCY; DEVELOPMENTAL AND EPILEPTIC ENCEPHALOPATHY 6A; Severe Myoclonic Epilepsy in Infancy (SMEI); Dravet syndrome; Epileptic encephalopathy, early infantile, 6 (Dravet syndrome). Identifiers: Orphanet 33069, MedGen C0751122, MONDO:0100135, OMIM 607208.
Developmental and epileptic encephalopathy 6B. Also called: Developmental and epileptic encephalopathy 6B, non-Dravet. Identifiers: MedGen C5543353, MONDO:0030268, OMIM 619317.
SCN1A-related disorder. Also called: SCN1A-related disorders; SCN1A-related conditions; SCN1A-related condition.
Early-infantile DEE. Also called: Ohtahara syndrome; Early infantile epileptic encephalopathy with suppression bursts; Early infantile epileptic encephalopathy. Identifiers: Orphanet 1934, MedGen C0393706, MONDO:0800491.

Submissions (12):

Genesolutions, Medical Genetics Institutes, Ho Chi Minh City, Vietnam
Classification: Pathogenic for Severe myoclonic epilepsy in infancy. Last evaluated: 2025-09-24. Review status: criteria provided, single submitter. Criteria: ACMG Guidelines, 2015. Collection method: clinical testing. Allele origin: germline. Affected: yes.

3billion
Classification: Pathogenic for Generalized epilepsy with febrile seizures plus, type 2. Last evaluated: 2024-10-17. Review status: criteria provided, single submitter. Criteria: ACMG Guidelines, 2015. Collection method: clinical testing. Allele origin: germline. Affected: yes.
Comment: The variant is not observed in the gnomAD v4.1.0 dataset. Predicted Consequence/Location: Stop-gained (nonsense): predicted to result in a loss or disruption of normal protein function through protein truncation. Multiple pathogenic variants are reported in the predicted truncated region. The variant has been reported at least twice as pathogenic with clinical assertions and evidence for the classification (ClinVar ID: VCV000189896 /PMID: 11940708). Therefore, this variant is classified as Pathogenic according to the recommendation of ACMG/AMP guideline.

Genetics and Genomic Medicine Centre, NeuroGen Healthcare, NeuroGen Healthcare
Classification: Pathogenic for Generalized epilepsy with febrile seizures plus, type 2. Last evaluated: 2024-08-13. Review status: criteria provided, single submitter. Criteria: ACMG Guidelines, 2015. Collection method: clinical testing. Allele origin: unknown. Affected: yes.

Labcorp Genetics (formerly Invitae), Labcorp
Classification: Pathogenic for Early-infantile DEE. Last evaluated: 2024-05-29. Review status: criteria provided, single submitter. Criteria: Invitae Variant Classification Sherloc (09022015). Collection method: clinical testing. Allele origin: germline.
Comment: This sequence change creates a premature translational stop signal (p.Arg1892*) in the SCN1A gene. While this is not anticipated to result in nonsense mediated decay, it is expected to disrupt the last 118 amino acid(s) of the SCN1A protein. This variant is not present in population databases (gnomAD no frequency). This premature translational stop signal has been observed in individual(s) with clinical features of SMEI and severe myoclonic epilepsy of infancy (SMEI) (PMID: 11940708, 17054684, 19563349). In at least one individual the variant was observed to be de novo. This variant is also known as c.5641C>T: Arg1881X. ClinVar contains an entry for this variant (Variation ID: 189896). This variant disrupts a region of the SCN1A protein in which other variant(s) (p.Arg1924Leufs*8) have been determined to be pathogenic (PMID: 27465585). This suggests that this is a clinically significant region of the protein, and that variants that disrupt it are likely to be disease-causing. For these reasons, this variant has been classified as Pathogenic.

Unidad de Genómica Garrahan, Hospital de Pediatría Garrahan
Classification: Likely pathogenic for Severe myoclonic epilepsy in infancy. Last evaluated: 2023-01-01. Review status: criteria provided, single submitter. Criteria: ACMG Guidelines, 2015. Collection method: clinical testing. Allele origin: germline. Affected: yes. Observed: 1 variant allele.

Blueprint Genetics
Classification: Pathogenic for SCN1A-related disorders. Last evaluated: 2022-02-14. Review status: criteria provided, single submitter. Criteria: ACMG Guidelines, 2015. Collection method: clinical testing. Allele origin: germline. Affected: yes. Observed: 1 variant allele.

Fulgent Genetics
Classification: Pathogenic for Generalized epilepsy with febrile seizures plus, type 2; Severe myoclonic epilepsy in infancy; Migraine, familial hemiplegic, 3; Developmental and epileptic encephalopathy 6B. Last evaluated: 2021-08-07. Review status: criteria provided, single submitter. Criteria: ACMG Guidelines, 2015. Collection method: clinical testing. Allele origin: unknown.

Institute of Human Genetics Munich, TUM University Hospital
Classification: Pathogenic for Generalized epilepsy with febrile seizures plus, type 2. Last evaluated: 2019-09-30. Review status: criteria provided, single submitter. Criteria: Classification criteria August 2017. Collection method: clinical testing. Allele origin: de novo. Inheritance: Autosomal dominant inheritance. Affected: yes. Observed: 1 heterozygote.

CeGaT Center for Human Genetics Tuebingen
Classification: Pathogenic. Last evaluated: 2019-07-01. Review status: criteria provided, single submitter. Criteria: CeGaT Center For Human Genetics Tuebingen Variant Classification Criteria Version 2. Collection method: clinical testing. Allele origin: germline. Affected: yes. Observed: 1 variant allele.

Center for Bioinformatics, Peking University
Classification: Pathogenic for Dravet syndrome. Last evaluated: 2014-12-20. Review status: criteria provided, single submitter. Criteria: Xu et al. (Hum Mutat. 2015). Collection method: research. Allele origin: de novo. Affected: yes. Observed: 1 variant allele. Study: University Clinical Cooperation “985 Project” PKU-2014-1-1.
Comment: Dravet syndrome (DS) probands were recruited from the outpatient and inpatient child neurology units of Peking University First Hospital from 2005 till present. The study was approved by the Ethics Committee of Peking University First Hospital and the Institutional Review Board at Peking University. Participants or their parents provided written informed consent before enrollment. We collected a total of 267 mutations from 255 families with probands diagnosed with DS in China. All probands fulfilled the clinical diagnostic criteria.

GeneDx
Classification: Pathogenic. Last evaluated: 2014-03-13. Review status: criteria provided, single submitter. Criteria: GeneDx Variant Classification (06012015). Collection method: clinical testing. Allele origin: germline. Affected: yes.
Comment: p.Arg1892Stop (CGA>TGA): c.5674 C>T in exon 26 of the SCN1A gene (NM_001165963.1) The R1892X nonsense mutation in the SCN1A gene has been reported in multiple unrelated patients with Dravet syndrome and other SCN1A-related disorders (Sugawara et al., 2002). This mutation is predicted to cause loss of normal protein function through protein truncation. The variant is found in EPILEPSY panel(s).

Center of Excellence for Medical Genomics, Chulalongkorn University
Classification: Pathogenic for Migraine, familial hemiplegic, 3. Last evaluated: 2002-09-08. Review status: no assertion criteria provided. Collection method: research. Allele origin: unknown. Affected: yes. Not counted in ClinVar's aggregate classification.

Literature cited by the submitters: PubMed 11940708 (cited by 3billion and Labcorp Genetics (formerly Invitae), Labcorp); PubMed 17054684 (cited by Labcorp Genetics (formerly Invitae), Labcorp); PubMed 19563349 (cited by Labcorp Genetics (formerly Invitae), Labcorp); PubMed 27465585 (cited by Labcorp Genetics (formerly Invitae), Labcorp); DOI 10.1055/s-0044-1786365 (cited by Unidad de Genómica Garrahan, Hospital de Pediatría Garrahan).